The following is an entry in ClinVar:

NM_001848.3(COL6A1):c.490G>A (p.Gly164Ser)

Gene: COL6A1 (collagen type VI alpha 1 chain; plus strand). Cytogenetic location: 21q22.3.
Variant type: single nucleotide variant.
Coding change: c.490G>A on transcript NM_001848.3 (MANE Select); coding-DNA position 490, G replaced by A.
Protein change: p.Gly164Ser; replaces glycine 164 with serine.
Molecular consequence: missense variant.
Genome position (GRCh38, 1-based): chr21:45,986,587, G>A. VCF-style: chr21-45986587-G-A. GRCh37 (hg19) VCF-style: chr21-47406501-G-A.
Other names: short protein forms G164S.
Identifiers: ClinVar variation 2063339 (VCV002063339.4), dbSNP rs1338619838, ClinGen allele CA410517939.

ClinVar aggregate classification (germline): Uncertain significance (1 of 4 stars; one submission).

Conditions:
Bethlem myopathy 1A. Also called: MYOPATHY, BENIGN CONGENITAL, WITH CONTRACTURES; Bethlem Muscular Dystrophy; Bethlem myopathy 1. Identifiers: Orphanet 610, MedGen CN029274, MONDO:0024530, OMIM 158810.

Submission:

Labcorp Genetics (formerly Invitae), Labcorp
Classification: Uncertain significance for Bethlem myopathy 1A. Last evaluated: 2021-12-27. Review status: criteria provided, single submitter. Criteria: Invitae Variant Classification Sherloc (09022015). Collection method: clinical testing. Allele origin: germline.
Comment: In summary, the available evidence is currently insufficient to determine the role of this variant in disease. Therefore, it has been classified as a Variant of Uncertain Significance. Algorithms developed to predict the effect of missense changes on protein structure and function are either unavailable or do not agree on the potential impact of this missense change (SIFT: "Deleterious"; PolyPhen-2: "Not Available"; Align-GVGD: "Class C0"). This variant has not been reported in the literature in individuals affected with COL6A1-related conditions. This variant is not present in population databases (gnomAD no frequency). This sequence change replaces glycine, which is neutral and non-polar, with serine, which is neutral and polar, at codon 164 of the COL6A1 protein (p.Gly164Ser).